The following is an entry in ClinVar:

ClinVar aggregate classification (germline): Uncertain significance (1 of 4 stars; one submission).

Conditions:
Loeys-Dietz syndrome 1 (LDS1). Also called: AORTIC ANEURYSM, FAMILIAL THORACIC 5; TGFBR1-Related Loeys-Dietz Syndrome; FURLONG SYNDROME. Identifiers: Orphanet 60030, MedGen C4551955, MONDO:0012212, OMIM 609192.

Submission:

3billion
Classification: Uncertain significance for Loeys-Dietz syndrome 1. Last evaluated: 2025-06-18. Review status: criteria provided, single submitter. Criteria: ACMG Guidelines, 2015. Collection method: clinical testing. Allele origin: germline. Affected: yes.
Comment: The variant is not observed in the gnomAD v4.1.0 dataset. Predicted Consequence/Location: Missense variant In silico tool predictions suggest damaging effect of the variant on gene or gene product [3Cnet: 0.99 (> 0.75, sensitivity 0.96 and precision 0.92)]. Therefore, this variant is classified as VUS according to the recommendation of ACMG/AMP guideline.

NM_004612.4(TGFBR1):c.1258A>G (p.Ile420Val)

Gene: TGFBR1 (transforming growth factor beta receptor 1; plus strand). Cytogenetic location: 9q22.33.
Variant type: single nucleotide variant.
Coding change: c.1258A>G on transcript NM_004612.4 (MANE Select); coding-DNA position 1258, A replaced by G.
Protein change: p.Ile420Val; replaces isoleucine 420 with valine.
Molecular consequence: missense variant. On other transcripts: non-coding transcript variant (4).
Genome position (GRCh38, 1-based): chr9:99,147,656, A>G. VCF-style: chr9-99147656-A-G. GRCh37 (hg19) VCF-style: chr9-101909938-A-G.
Other names: c.1027A>G, p.Ile343Val (NM_001130916.3, NM_001407435.1); c.1270A>G, p.Ile424Val (NM_001306210.2); c.1102A>G, p.Ile368Val (NM_001407416.1); c.1090A>G, p.Ile364Val (NM_001407417.1); c.1063A>G, p.Ile355Val (NM_001407418.1, NM_001407419.1, NM_001407420.1 and 1 more transcripts); c.1051A>G, p.Ile351Val (NM_001407423.1, NM_001407424.1, NM_001407425.1 and 8 more transcripts); c.1012A>G, p.Ile338Val (NM_001407436.1); c.550A>G, p.Ile184Val (NM_001407437.1); and 1 more; short protein forms I184V, I261V, I338V, I343V, I351V, I355V, I364V, I368V.
Identifiers: ClinVar variation 4855668 (VCV004855668.1).
Genomic context (GRCh38, chr9:99,147,656, plus strand): 5'-TGCCTTGGCATTAGCTGAATAAATTCATCAAAATTTAATTTTTTTTAAACTGATACAGGA[A>G]TTCATGAAGATTACCAACTGCCTTATTATGATCTTGTACCTTCTGACCCATCAGTTGAAG-3'
Protein context (NP_004603.1, residues 410-430): EIARRCSIGG[Ile420Val]HEDYQLPYYD